The following is an entry in ClinVar:

ClinVar aggregate classification (germline): Uncertain significance (1 of 4 stars; one submission).

Conditions:
Neurodevelopmental disorder with hypotonia, dysmorphic facies, and skeletal anomalies, with or without seizures (NEDFSS). Also called: TRPM3-Related Neurodevelopmental Disorder. Identifiers: MedGen C5830244, MONDO:0859365, OMIM 620224.
Cataract 50 with or without glaucoma (CTRCT50). Identifiers: MedGen C5830299, MONDO:0859382, OMIM 620253.

gnomAD v4.1: 5 of 1,613,108 alleles (0.00031%); highest among the groups gnomAD compares: Non-Finnish European, 0.00042%; no homozygotes.

Submission:

Juno Genomics, Hangzhou Juno Genomics, Inc
Classification: Uncertain significance for Cataract 50 with or without glaucoma; Neurodevelopmental disorder with hypotonia, dysmorphic facies, and skeletal anomalies, with or without seizures. Review status: criteria provided, single submitter. Criteria: ACMG Guidelines, 2015. Collection method: clinical testing. Allele origin: germline.
Comment: Absent from controls (or at extremely low frequency if recessive) in Genome Aggregation Database.;Missense variant in a gene that has a low rate of benign missense variation.

NM_001366145.2(TRPM3):c.1141G>A (p.Glu381Lys)

Gene: TRPM3 (transient receptor potential cation channel subfamily M member 3; minus strand). Cytogenetic location: 9q21.12.
Variant type: single nucleotide variant.
Coding change: c.1141G>A on transcript NM_001366145.2 (MANE Select); coding-DNA position 1141, G replaced by A.
Protein change: p.Glu381Lys; replaces glutamic acid 381 with lysine.
Molecular consequence: missense variant.
Genome position (GRCh38, 1-based): chr9:70,784,112, C>T on the plus strand (G>A on the coding strand, the complement: TRPM3 is on the minus strand). VCF-style: chr9-70784112-C-T. GRCh37 (hg19) VCF-style: chr9-73399028-C-T.
Other names: c.757G>A, p.Glu253Lys (NM_001007470.3, NM_206946.5, NM_206947.5); c.1147G>A, p.Glu383Lys (NM_001366144.2, NM_001366141.2, NM_001366142.2 and 1 more transcripts); c.1141G>A, p.Glu381Lys (NM_001366146.2, NM_001366149.2, NM_001366150.2 and 3 more transcripts); c.1216G>A, p.Glu406Lys (NM_001366147.2, NM_001366148.2, NM_001366152.2); c.682G>A, p.Glu228Lys (NM_001366154.2, NM_020952.6, NM_024971.7 and 3 more transcripts); short protein forms E253K, E381K, E406K, E228K, E383K.
Identifiers: ClinVar variation 5007461 (VCV005007461.2).